The following is an entry in ClinVar:

NC_000006.12:g.(?_161569335)_(161569436_?)del

Gene: PRKN (parkin RBR E3 ubiquitin protein ligase; minus strand). Cytogenetic location: 6q26.
Variant type: Deletion.
Identifiers: ClinVar variation 583674 (VCV000583674.7).

ClinVar aggregate classification (germline): Pathogenic. Review status: criteria provided, single submitter (1 of 4 stars). 2 submissions from 1 submitter: Pathogenic (1). 1 of the submissions does not count toward it. Last evaluated 2021-08-12.

Conditions:
Autosomal recessive juvenile Parkinson disease 2. Also called: Parkinson disease autosomal recessive, early onset; Juvenile parkinsonism; Parkinsonism, early onset, with diurnal fluctuation; Parkinson disease, juvenile, type 2; PRKN-Related Early-Onset Parkinson Disease; PARKINSON DISEASE, JUVENILE, AUTOSOMAL RECESSIVE. Identifiers: Orphanet 2828, MedGen C1868675, MONDO:0010820, OMIM 600116.

Submissions (2):

Labcorp Genetics (formerly Invitae), Labcorp
Classification: Pathogenic. Last evaluated: 2021-08-12. Review status: criteria provided, single submitter. Criteria: Invitae Variant Classification Sherloc (09022015). Collection method: clinical testing. Allele origin: germline.
Comment: This variant is a gross deletion of the genomic region encompassing exon(s) 8 of the PRKN gene. This deletion is out-of-frame, and is expected to create a premature termination codon and result in an absent or disrupted protein product. Loss-of-function variants in PRKN are known to be pathogenic (PMID: 10072423, 20301651, 22956510). A similar copy number variant has been observed in individual(s) with early onset Parkinson's disease (PMID: 12116199). For these reasons, this variant has been classified as Pathogenic.

Labcorp Genetics (formerly Invitae), Labcorp
Classification: Pathogenic for Parkinson disease 2. Last evaluated: 2018-02-21. Review status: flagged submission. Criteria: Invitae Variant Classification Sherloc (09022015). Collection method: clinical testing. Allele origin: germline. Not counted in ClinVar's aggregate classification.
Comment: This variant is an out-of-frame deletion of the genomic region encompassing exon 8 of the PARK2 gene. This is expected to create a premature translational stop signal and result in an absent or disrupted protein product. A similar deletion of exons 8 has been reported in combination with another PARK2 variant in an individual affected with early onset Parkinson's disease (PMID: 12116199). Loss-of-function variants in PARK2 are known to be pathogenic (PMID: 10072423, 20301651, 22956510). For these reasons, this variant has been classified as Pathogenic.
ClinVar note: Reason: This record appears to be redundant with a more recent record from the same submitter.
ClinVar note: Notes: SCV000837064 appears to be redundant with SCV001586409.

Literature cited by the submitters: PubMed 10072423; PubMed 20301651; PubMed 22956510; PubMed 12116199.